The following is an entry in ClinVar:

NM_000138.5(FBN1):c.5006_5013del (p.Asn1669fs)

Gene: FBN1 (fibrillin 1; minus strand). Cytogenetic location: 15q21.1.
Variant type: Deletion.
Coding change: c.5006_5013del on transcript NM_000138.5 (MANE Select); coding-DNA positions 5006 to 5013, 8 bases deleted (ACTACACC; older notation c.5006_5013delACTACACC).
Protein change: p.Asn1669fs; shifts the reading frame from asparagine 1669.
Molecular consequence: frameshift variant.
Genome position (GRCh38, 1-based): chr15:48,463,951-48,463,958, GGTGTAGT deleted on the plus strand (ACTACACC on the coding strand, the reverse complement: FBN1 is on the minus strand). VCF-style (leftmost placement, unchanged base first): chr15-48463950-AGGTGTAGT-A. GRCh37 (hg19) VCF-style: chr15-48756147-AGGTGTAGT-A.
Other names: c.5006_5013del, p.Asn1669fs (NM_001406716.1); short protein forms N1669fs.
Identifiers: ClinVar variation 3382493 (VCV003382493.2).
Genomic context (GRCh38, chr15:48,463,950, plus strand): 5'-TGGACTTACCCATGCAATTATTTCCCCCATTCACTTGCATGTAGTCTGGAGGACAGATAC[AGGTGTAGT>A]TGCCAACGGTGTTGTAACATGTCCCTGGACCACAGATTCCAGGAGTCTCACATTCATTCA-3'

ClinVar aggregate classification (germline): Likely pathogenic (1 of 4 stars; one submission).

Conditions:
Geleophysic dysplasia 2 (GPHYSD2). Identifiers: Orphanet 2623, MedGen C3280054, MONDO:0013612, OMIM 614185.
Marfan syndrome (MFS). Also called: MARFAN SYNDROME, TYPE I; Marfan syndrome type 1; Marfan's syndrome; FBN1-Related Marfan Syndrome; Marfan syndrome, classic. Identifiers: Orphanet 284963, Orphanet 558, MedGen C0024796, MONDO:0007947, OMIM 154700.
Ectopia lentis 1, isolated, autosomal dominant (ECTOL1). Identifiers: Orphanet 1885, MedGen C3541518, MONDO:0007514, OMIM 129600.
Stiff skin syndrome (SSKS). Identifiers: Orphanet 2833, MedGen C1861456, MONDO:0008492, OMIM 184900.
Acromicric dysplasia (ACMICD). Also called: Acromicric skeletal dysplasia. Identifiers: Orphanet 969, MedGen C0265287, MONDO:0007055, OMIM 102370.
Progeroid and marfanoid aspect-lipodystrophy syndrome. Also called: MARFANOID-PROGEROID SYNDROME; MARFAN-PROGEROID-LIPODYSTROPHY SYNDROME; Marfan lipodystrophy syndrome; MARFANOID-PROGEROID-LIPODYSTROPHY SYNDROME. Identifiers: Orphanet 300382, MedGen C4310796, MONDO:0014831, OMIM 616914.
MASS syndrome (OCTD). Also called: MASS PHENOTYPE; OVERLAP CONNECTIVE TISSUE DISEASE. Identifiers: MedGen C1858556, MONDO:0011431, OMIM 604308.
Weill-Marchesani syndrome 2, dominant. Also called: Weill-Marchesani Syndrome, Autosomal Dominant; FBN1-Related Weill-Marchesani Syndrome. Identifiers: Orphanet 2084, MedGen C1869115, MONDO:0012013, OMIM 608328.

Submission:

Juno Genomics, Hangzhou Juno Genomics, Inc
Classification: Likely pathogenic for Acromicric dysplasia; Ectopia lentis 1, isolated, autosomal dominant; Geleophysic dysplasia 2; Progeroid and marfanoid aspect-lipodystrophy syndrome; Marfan syndrome; MASS syndrome; Stiff skin syndrome; Weill-Marchesani syndrome 2, dominant. Review status: criteria provided, single submitter. Criteria: ACMG Guidelines, 2015. Collection method: clinical testing. Allele origin: germline. Affected: yes.
Comment: Absent from controls (or at extremely low frequency if recessive) in Genome Aggregation Database, Exome Sequencing Project, 1000 Genomes Project, or Exome Aggregation Consortium.;Null variant in a gene where loss of function (LOF) is a known mechanism of disease.